The following is an entry in ClinVar:

NM_001394372.1(BICRA):c.1637C>T (p.Pro546Leu)

Gene: BICRA (BRD4 interacting chromatin remodeling complex associated protein; plus strand). Cytogenetic location: 19q13.33.
Variant type: single nucleotide variant.
Coding change: c.1637C>T on transcript NM_001394372.1 (MANE Select); coding-DNA position 1637, C replaced by T.
Protein change: p.Pro546Leu; replaces proline 546 with leucine.
Molecular consequence: missense variant.
Genome position (GRCh38, 1-based): chr19:47,680,807, C>T. VCF-style: chr19-47680807-C-T. GRCh37 (hg19) VCF-style: chr19-48184064-C-T.
Other names: c.1637C>T, p.Pro546Leu (NM_015711.3); short protein forms P546L.
Identifiers: ClinVar variation 3764450 (VCV003764450.2).
Genomic context (GRCh38, chr19:47,680,807, plus strand): 5'-TGGGCCCCGTGTTGGCCCCCCACTCCGGGGCCCACAGCGCGCACATCCTCTCCGCCGCTC[C>T]CATCCAGGTGGGCCAGCCTGCGCTCTTCCAGATGCCCGTGTCGCTGGCGGCGGGCAGCCT-3'
Protein context (NP_001381301.1, residues 536-556): AHSAHILSAA[Pro546Leu]IQVGQPALFQ

ClinVar aggregate classification (germline): Uncertain significance. Review status: criteria provided, multiple submitters, no conflicts (2 of 4 stars). 2 submissions from 2 submitters: Uncertain significance (2). Last evaluated 2025-02-19.

Submissions (2):

Ambry Genetics
Classification: Uncertain significance. Last evaluated: 2025-02-19. Review status: criteria provided, single submitter. Criteria: Ambry Variant Classification Scheme 2023. Collection method: clinical testing. Allele origin: germline.

GeneDx
Classification: Uncertain significance. Last evaluated: 2024-08-22. Review status: criteria provided, single submitter. Criteria: GeneDx Variant Classification Process June 2021. Collection method: clinical testing. Allele origin: germline. Affected: yes.
Comment: Not observed at significant frequency in large population cohorts (gnomAD); In silico analysis supports that this missense variant has a deleterious effect on protein structure/function; Has not been previously published as pathogenic or benign to our knowledge